The following is an entry in ClinVar:

NM_004429.5(EFNB1):c.152_158delinsGGATCTT (p.Val51_Tyr53delinsGlyIlePhe)

Gene: EFNB1 (ephrin B1; plus strand). Cytogenetic location: Xq13.1.
Variant type: Indel.
Coding change: c.152_158delinsGGATCTT on transcript NM_004429.5 (MANE Select); coding-DNA positions 152 to 158, TGATCTA replaced by GGATCTT.
Protein change: p.Val51_Tyr53delinsGlyIlePhe.
Molecular consequence: missense variant.
Genome position (GRCh38, 1-based): chrX:68,838,640-68,838,646, TGATCTA replaced by GGATCTT. VCF-style: chrX-68838640-TGATCTA-GGATCTT. GRCh37 (hg19) VCF-style: chrX-68058483-TGATCTA-GGATCTT.
Identifiers: ClinVar variation 2717923 (VCV002717923.3), dbSNP rs2520012748, ClinGen allele CA2697553134.

ClinVar aggregate classification (germline): Likely pathogenic (1 of 4 stars; one submission).

Submission:

Labcorp Genetics (formerly Invitae), Labcorp
Classification: Likely pathogenic. Last evaluated: 2023-06-16. Review status: criteria provided, single submitter. Criteria: Invitae Variant Classification Sherloc (09022015). Collection method: clinical testing. Allele origin: germline.
Comment: This variant, c.152_158delinsGGATCTT, is a complex sequence change that results in the deletion of 3 and insertion of 3 amino acid(s) in the EFNB1 protein (p.Val51_Tyr53delinsGlyIlePhe). In summary, the currently available evidence indicates that the variant is pathogenic, but additional data are needed to prove that conclusively. Therefore, this variant has been classified as Likely Pathogenic. Experimental studies and prediction algorithms are not available or were not evaluated, and the functional significance of this variant is currently unknown. This variant has been observed in individual(s) with clinical features of EFNB1-related conditions (Invitae). In at least one individual the variant was observed to be de novo. This variant is not present in population databases (gnomAD no frequency).